The following is an entry in ClinVar:

ClinVar aggregate classification (germline): Likely pathogenic (1 of 4 stars; one submission).

Conditions:
Doyne honeycomb retinal dystrophy (DHRD). Also called: DOYNE HONEYCOMB DEGENERATION OF RETINA; MALATTIA LEVENTINESE; DRUSEN, RADIAL, AUTOSOMAL DOMINANT. Identifiers: Orphanet 75376, MedGen C1832174, MONDO:0007471, OMIM 126600.

Submission:

MVZ Medizinische Genetik Mainz
Classification: Likely pathogenic for Doyne honeycomb retinal dystrophy. Last evaluated: 2026-05-27. Review status: criteria provided, single submitter. Criteria: UK Practice Guidelines For Variant Classification V4 01 2020. Collection method: clinical testing. Allele origin: germline. Inheritance: Autosomal dominant inheritance. Affected: yes. Observed: 1 variant allele.
Comment: ACMG Criteria: PVS1,PM2_SUP

NM_001039348.3(EFEMP1):c.1126C>T (p.Arg376Ter)

Gene: EFEMP1 (EGF-like fibulin extracellular matrix protein 1; minus strand). Cytogenetic location: 2p16.1.
Variant type: single nucleotide variant.
Coding change: c.1126C>T on transcript NM_001039348.3 (MANE Select); coding-DNA position 1126, C replaced by T.
Protein change: p.Arg376Ter; replaces arginine 376 with a stop codon.
Molecular consequence: nonsense.
Genome position (GRCh38, 1-based): chr2:55,870,914, G>A on the plus strand (C>T on the coding strand, the complement: EFEMP1 is on the minus strand). VCF-style: chr2-55870914-G-A. GRCh37 (hg19) VCF-style: chr2-56098049-G-A.
Other names: c.1126C>T, p.Arg376Ter (NM_001039349.3); short protein forms R376*.
Identifiers: ClinVar variation 4857302 (VCV004857302.1).